The following is an entry in ClinVar:

ClinVar aggregate classification (germline): Benign/Likely benign. Review status: criteria provided, multiple submitters, no conflicts (2 of 4 stars). 2 submissions from 2 submitters: Benign (1); Likely benign (1). Last evaluated 2026-08-01.

Allele frequency attached by ClinVar (database versions not stated): gnomAD exomes 0.00067; ExAC 0.00101; ESP Exome Variant Server 0.00235; 1000 Genomes Project 0.00280; gnomAD 0.00304 and 0.00323; TOPMed 0.00348; 1000 Genomes Project 30x 0.00390.
gnomAD v4.1: 1,024 of 1,604,844 alleles (0.064%); highest among the groups gnomAD compares: African/African-American, 1%; 1 homozygote.

Submissions (3):

CeGaT Center for Human Genetics Tuebingen
Classification: Likely benign. Last evaluated: 2026-08-01. Review status: criteria provided, single submitter. Criteria: CeGaT Center For Human Genetics Tuebingen Variant Classification Criteria Version 2. Collection method: clinical testing. Allele origin: germline. Affected: yes. Observed: 1 variant allele.
Comment: MLXIPL: BP4, BP7, BS1

Labcorp Genetics (formerly Invitae), Labcorp
Classification: Benign. Last evaluated: 2019-12-31. Review status: criteria provided, single submitter. Criteria: Invitae Variant Classification Sherloc (09022015). Collection method: clinical testing. Allele origin: germline.

Dr. Peter K. Rogan Lab, Western University
No classification provided (evidence only). Condition: Clear cell carcinoma of kidney. Review status: no classification provided. Collection method: in vitro. Allele origin: not applicable. Functional consequence: retained intron. Not counted in ClinVar's aggregate classification.

NM_032951.3(MLXIPL):c.1563G>A (p.Ala521=)

Gene: MLXIPL (MLX interacting protein like; minus strand). Cytogenetic location: 7q11.23.
Variant type: single nucleotide variant.
Coding change: c.1563G>A on transcript NM_032951.3 (MANE Select); coding-DNA position 1563, G replaced by A.
Protein change: p.Ala521=; no amino-acid change (alanine 521 retained).
Molecular consequence: synonymous variant. On other transcripts: non-coding transcript variant (1).
Genome position (GRCh38, 1-based): chr7:73,597,222, C>T on the plus strand (G>A on the coding strand, the complement: MLXIPL is on the minus strand). VCF-style: chr7-73597222-C-T. GRCh37 (hg19) VCF-style: chr7-73011552-C-T.
Other names: NC_000007.13:g.73011552C>T; c.1563G>A, p.Ala521= (NM_032952.3, NM_032953.3, NM_032954.3).
Identifiers: ClinVar variation 791158 (VCV000791158.6), dbSNP rs200967567, ClinGen allele CA4289217.
Genomic context (GRCh38, chr7:73,597,222, plus strand): 5'-TCCCCGTTGCTGGCCCTCACCTGCTGTGAGCAGCTGTGTGAGGCAGGGGTTGTTGCTCCC[C>T]GCAGTGGTGGGGGGACTGGCAGTGGCAGGGGCTAAGGTAGGGGGGCTGGCTTTCTGTCCC-3'
Protein context (NP_116569.1, residues 511-531): APATASPPTT[Ala521=]GSNNPCLTQL